The following is an entry in ClinVar:

NM_170675.5(MEIS2):c.825dup (p.Arg276fs)

Gene: MEIS2 (Meis homeobox 2; minus strand). Cytogenetic location: 15q14.
Variant type: Duplication.
Coding change: c.825dup on transcript NM_170675.5 (MANE Select); coding-DNA position 825, one base duplicated (A; older notation c.825dupA).
Protein change: p.Arg276fs; shifts the reading frame from arginine 276.
Molecular consequence: frameshift variant. On other transcripts: non-coding transcript variant (1).
Genome position (GRCh38, 1-based): chr15:37,036,889, T duplicated on the plus strand (A on the coding strand, the reverse complement: MEIS2 is on the minus strand); the first of 6 consecutive T bases (chr15:37,036,889-37,036,894); duplicating any one gives the same sequence. VCF-style (leftmost placement, unchanged base first): chr15-37036888-G-GT. GRCh37 (hg19) VCF-style: chr15-37329089-G-GT.
Other names: c.825dup, p.Arg276fs (NM_001220482.2, NM_170674.5, NM_170676.5 and 1 more transcripts); c.786dup, p.Arg263fs (NM_002399.4, NM_172315.3); c.561dup, p.Arg188fs (NM_172316.3); c.825dupA (NM_170675.4); short protein forms R276fs, R263fs, R188fs.
Identifiers: ClinVar variation 559625 (VCV000559625.2), dbSNP rs1555456994, ClinGen allele CA658824241.
Genomic context (GRCh38, chr15:37,036,888, plus strand): 5'-AGAGCCATGCTCTCATGATATTTGTTGCTACTTTGGGGAAAATGCCTCTTTTCTTCTGGC[G>GT]TTTTTTGTCCTTATCCGGATCATCATCGTCACCTGTACCAGGTGAAGCTACACTGTTGTC-3'

ClinVar aggregate classification (germline): Pathogenic. Review status: criteria provided, single submitter (1 of 4 stars). 2 submissions from 2 submitters: Pathogenic (1). 1 of the submissions does not count toward it. Last evaluated 2025-01-30.

Conditions:
Cardiac malformation, cleft lip/palate, microcephaly, and digital anomalies. Also called: CLEFT PALATE, CARDIAC DEFECTS, AND IMPAIRED INTELLECTUAL DEVELOPMENT. Identifiers: MedGen C1832950, MONDO:0010970, OMIM 600987.

Submissions (2):

Clinical Genomics Laboratory, Washington University in St. Louis
Classification: Pathogenic for Cardiac malformation, cleft lip/palate, microcephaly, and digital anomalies. Last evaluated: 2025-01-30. Review status: criteria provided, single submitter. Criteria: ACMG Guidelines, 2015. Collection method: clinical testing. Allele origin: germline. Affected: yes.
Comment: The MEIS2 c.825dup (p.Arg276Thrfs*54) variant, to our knowledge, has not been reported in the medical literature. This variant has been reported in the ClinVar database as a pathogenic variant by one submitter (Variation ID: 559625). This variant causes a frameshift by duplicating one nucleotide, leading to a premature termination codon, which is predicted to lead to nonsense mediated decay. This variant is absent from the general population (gnomAD v.4.1), indicating it is not a common variant. Based on available information and the ACMG/AMP guidelines for variant interpretation (Richards S et al., PMID: 25741868), this variant is classified as pathogenic.

Molecular Genetics Laboratory, BC Children's and BC Women's Hospitals
Classification: Pathogenic for Cardiac malformation, cleft lip/palate, microcephaly, and digital anomalies. Last evaluated: 2017-10-13. Review status: no assertion criteria provided. Criteria: ACMG Guidelines, 2015. Collection method: clinical testing. Allele origin: de novo. Affected: yes. Not counted in ClinVar's aggregate classification.